The following is an entry in ClinVar:

ClinVar aggregate classification (germline): Likely pathogenic (1 of 4 stars; one submission).

Conditions:
Neurodevelopmental disorder with or without early-onset generalized epilepsy. Identifiers: MedGen C5436914, MONDO:0030930, OMIM 619157.

Submission:

3billion
Classification: Likely pathogenic for Neurodevelopmental disorder with or without early-onset generalized epilepsy. Last evaluated: 2023-07-25. Review status: criteria provided, single submitter. Criteria: ACMG Guidelines, 2015. Collection method: clinical testing. Allele origin: germline. Affected: yes.
Comment: The variant is not observed in the gnomAD v2.1.1 dataset. Predicted Consequence/Location: Canonical splice site: predicted to alter splicing and result in a loss or disruption of normal protein function. Multiple pathogenic loss-of-function variants are reported downstream of the variant. Therefore, this variant is classified as Likely pathogenic according to the recommendation of ACMG/AMP guideline.

NM_001385012.1(NBEA):c.4080-2A>C

Gene: NBEA (neurobeachin; plus strand). Cytogenetic location: 13q13.3.
Variant type: single nucleotide variant.
Coding change: c.4080-2A>C on transcript NM_001385012.1 (MANE Select); the canonical splice acceptor site of the intron before coding-DNA position 4080, A replaced by C.
Molecular consequence: splice acceptor variant.
Genome position (GRCh38, 1-based): chr13:35,164,354, A>C. VCF-style: chr13-35164354-A-C. GRCh37 (hg19) VCF-style: chr13-35738491-A-C.
Other names: c.4080-2A>C (NM_015678.5, NM_001379245.1).
Identifiers: ClinVar variation 3775370 (VCV003775370.1).